The following is an entry in ClinVar:

ClinVar aggregate classification (germline): Uncertain significance (1 of 4 stars; one submission).

Submission:

Labcorp Genetics (formerly Invitae), Labcorp
Classification: Uncertain significance. Last evaluated: 2023-08-24. Review status: criteria provided, single submitter. Criteria: Invitae Variant Classification Sherloc (09022015). Collection method: clinical testing. Allele origin: germline.
Comment: This sequence change replaces aspartic acid, which is acidic and polar, with glycine, which is neutral and non-polar, at codon 907 of the KMT2E protein (p.Asp907Gly). This variant is not present in population databases (gnomAD no frequency). This variant has not been reported in the literature in individuals affected with KMT2E-related conditions. In summary, the available evidence is currently insufficient to determine the role of this variant in disease. Therefore, it has been classified as a Variant of Uncertain Significance. Advanced modeling of protein sequence and biophysical properties (such as structural, functional, and spatial information, amino acid conservation, physicochemical variation, residue mobility, and thermodynamic stability) performed at Invitae indicates that this missense variant is not expected to disrupt KMT2E protein function. ClinVar contains an entry for this variant (Variation ID: 2002043).

NM_182931.3(KMT2E):c.2720A>G (p.Asp907Gly)

Gene: KMT2E (lysine methyltransferase 2E (inactive); plus strand). Cytogenetic location: 7q22.3.
Variant type: single nucleotide variant.
Coding change: c.2720A>G on transcript NM_182931.3 (MANE Select); coding-DNA position 2720, A replaced by G.
Protein change: p.Asp907Gly; replaces aspartic acid 907 with glycine.
Molecular consequence: missense variant.
Genome position (GRCh38, 1-based): chr7:105,106,645, A>G. VCF-style: chr7-105106645-A-G. GRCh37 (hg19) VCF-style: chr7-104747092-A-G.
Other names: c.2720A>G, p.Asp907Gly (NM_001410908.1, NM_018682.4); short protein forms D907G.
Identifiers: ClinVar variation 2002043 (VCV002002043.4), dbSNP rs1584803942, ClinGen allele CA368787461.